The following is an entry in ClinVar:

ClinVar aggregate classification (germline): Benign/Likely benign. Review status: criteria provided, multiple submitters, no conflicts (2 of 4 stars). 4 submissions from 4 submitters: Benign (2); Likely benign (2). Last evaluated 2025-10-02.

Conditions:
Tuberous sclerosis 2 (TSC2). Identifiers: Orphanet 805, MedGen C1860707, MONDO:0013199, OMIM 613254.

Allele frequency attached by ClinVar (database versions not stated): ExAC 0.00001; gnomAD exomes 0.00002; gnomAD 0.00003; TOPMed 0.00003.
gnomAD v4.1: 27 of 1,613,954 alleles (0.0017%); highest among the groups gnomAD compares: Middle Eastern, 0.017%; no homozygotes.

Submissions (4):

Labcorp Genetics (formerly Invitae), Labcorp
Classification: Benign for Tuberous sclerosis 2. Last evaluated: 2025-10-02. Review status: criteria provided, single submitter. Criteria: Invitae Variant Classification Sherloc (09022015). Collection method: clinical testing. Allele origin: germline.

Myriad Genetics, Inc.
Classification: Likely benign for Tuberous sclerosis 2. Last evaluated: 2025-05-05. Review status: criteria provided, single submitter. Criteria: Myriad Autosomal Dominant, Autosomal Recessive and X-Linked Classification Criteria (2023). Collection method: clinical testing. Allele origin: unknown.
Comment: This variant is considered likely benign. This variant is intronic and is not expected to impact mRNA splicing.

Genome-Nilou Lab
Classification: Benign for Tuberous sclerosis 2. Last evaluated: 2021-11-07. Review status: criteria provided, single submitter. Criteria: ACMG Guidelines, 2015. Collection method: clinical testing. Allele origin: germline. Affected: no.

GeneDx
Classification: Likely benign. Last evaluated: 2017-07-28. Review status: criteria provided, single submitter. Criteria: GeneDx Variant Classification (06012015). Collection method: clinical testing. Allele origin: germline. Affected: yes.
Comment: This variant is considered likely benign or benign based on one or more of the following criteria: it is a conservative change, it occurs at a poorly conserved position in the protein, it is predicted to be benign by multiple in silico algorithms, and/or has population frequency not consistent with disease.

NM_000548.5(TSC2):c.481+8C>T

Gene: TSC2 (TSC complex subunit 2; plus strand). Cytogenetic location: 16p13.3.
Variant type: single nucleotide variant.
Coding change: c.481+8C>T on transcript NM_000548.5 (MANE Select); 8 bases into the intron after coding-DNA position 481, C replaced by T.
Molecular consequence: intron variant.
Genome position (GRCh38, 1-based): chr16:2,054,448, C>T. VCF-style: chr16-2054448-C-T. GRCh37 (hg19) VCF-style: chr16-2104449-C-T.
Other names: c.481+8C>T (NM_001114382.3, NM_021055.3, NM_001370405.1 and 3 more transcripts); c.370+8C>T (NM_001318827.2); c.-1-1748C>T (NM_001318831.2); c.334+8C>T (NM_001318829.2); c.514+8C>T (NM_001318832.2).
Identifiers: ClinVar variation 238063 (VCV000238063.14), dbSNP rs758228838, ClinGen allele CA052556.